The following is an entry in ClinVar:

ClinVar aggregate classification (germline): Benign. Review status: criteria provided, multiple submitters, no conflicts (2 of 4 stars). 3 submissions from 3 submitters: Benign (2). 1 of the submissions does not count toward it. Last evaluated 2025-11-13.

Conditions:
SPECC1L-related disorder. Also called: SPECC1L-related condition.

Allele frequency attached by ClinVar (database versions not stated): gnomAD exomes 0.00035 and 0.00096; ExAC 0.00128; gnomAD 0.00407 and 0.00438; TOPMed 0.00429; ESP Exome Variant Server 0.00507; 1000 Genomes Project 0.00539; 1000 Genomes Project 30x 0.00578.
gnomAD v4.1: 1,158 of 1,613,036 alleles (0.072%); highest among the groups gnomAD compares: African/African-American, 1.4%; 11 homozygotes.

Submissions (3):

Labcorp Genetics (formerly Invitae), Labcorp
Classification: Benign. Last evaluated: 2025-11-13. Review status: criteria provided, single submitter. Criteria: Invitae Variant Classification Sherloc (09022015). Collection method: clinical testing. Allele origin: germline.

Breakthrough Genomics
Classification: Benign. Review status: criteria provided, single submitter. Criteria: ACMG Guidelines, 2015. Collection method: not provided. Allele origin: germline. Inheritance: Autosomal dominant inheritance. Affected: yes.

PreventionGenetics, part of Exact Sciences
Classification: Benign for SPECC1L-related condition. Last evaluated: 2019-05-15. Review status: no assertion criteria provided. Collection method: clinical testing. Allele origin: germline. Not counted in ClinVar's aggregate classification.
Comment: This variant is classified as benign based on ACMG/AMP sequence variant interpretation guidelines (Richards et al. 2015 PMID: 25741868, with internal and published modifications).

NM_015330.6(SPECC1L):c.2205C>T (p.Leu735=)

Genes: SPECC1L (sperm antigen with calponin homology and coiled-coil domains 1 like; plus strand), SPECC1L-ADORA2A (SPECC1L-ADORA2A readthrough (NMD candidate); plus strand). Cytogenetic location: 22q11.23.
Variant type: single nucleotide variant.
Coding change: c.2205C>T on transcript NM_015330.6 (MANE Select); coding-DNA position 2205, C replaced by T.
Protein change: p.Leu735=; no amino-acid change (leucine 735 retained).
Molecular consequence: synonymous variant. On other transcripts: non-coding transcript variant (1).
Genome position (GRCh38, 1-based): chr22:24,328,904, C>T. VCF-style: chr22-24328904-C-T. GRCh37 (hg19) VCF-style: chr22-24724872-C-T.
Other names: c.2205C>T, p.Leu735= (NM_001145468.4, NM_001254732.3).
Identifiers: ClinVar variation 711765 (VCV000711765.13), dbSNP rs148323350, ClinGen allele CA10152251.